The following is an entry in ClinVar:

NM_021224.6(ZNF462):c.3314C>T (p.Pro1105Leu)

Gene: ZNF462 (zinc finger protein 462; plus strand). Cytogenetic location: 9q31.2.
Variant type: single nucleotide variant.
Coding change: c.3314C>T on transcript NM_021224.6 (MANE Select); coding-DNA position 3314, C replaced by T.
Protein change: p.Pro1105Leu; replaces proline 1105 with leucine.
Molecular consequence: missense variant. On other transcripts: intron variant (1).
Genome position (GRCh38, 1-based): chr9:106,927,226, C>T. VCF-style: chr9-106927226-C-T. GRCh37 (hg19) VCF-style: chr9-109689507-C-T.
Other names: c.3252+62C>T (NM_001347997.2); c.3314C>T (NM_021224.4); short protein forms P1105L.
Identifiers: ClinVar variation 2659373 (VCV002659373.25), dbSNP rs200925233, ClinGen allele CA5171647.

ClinVar aggregate classification (germline): Likely benign. Review status: criteria provided, multiple submitters, no conflicts (2 of 4 stars). 2 submissions from 2 submitters: Likely benign (2). Last evaluated 2023-12-13.

Conditions:
Inborn genetic diseases. Identifiers: MedGen C0950123, MeSH D030342.

Allele frequency attached by ClinVar (database versions not stated): ExAC 0.00007; gnomAD 0.00013; 1000 Genomes Project 30x 0.00016; 1000 Genomes Project 0.00020.
gnomAD v4.1: 284 of 1,611,526 alleles (0.018%); highest among the groups gnomAD compares: East Asian, 0.087%; no homozygotes.

Submissions (2):

Ambry Genetics
Classification: Likely benign for Inborn genetic diseases. Last evaluated: 2023-12-13. Review status: criteria provided, single submitter. Criteria: Ambry Variant Classification Scheme 2023. Collection method: clinical testing. Allele origin: germline.

CeGaT Center for Human Genetics Tuebingen
Classification: Likely benign. Last evaluated: 2023-02-01. Review status: criteria provided, single submitter. Criteria: CeGaT Center For Human Genetics Tuebingen Variant Classification Criteria Version 2. Collection method: clinical testing. Allele origin: germline. Affected: yes. Observed: 1 variant allele.
Comment: ZNF462: BS2